The following is an entry in ClinVar:

NM_001148.6(ANK2):c.3460G>C (p.Val1154Leu)

Gene: ANK2 (ankyrin 2; plus strand). Cytogenetic location: 4q26.
Variant type: single nucleotide variant.
Coding change: c.3460G>C on transcript NM_001148.6 (MANE Select); coding-DNA position 3460, G replaced by C.
Protein change: p.Val1154Leu; replaces valine 1154 with leucine.
Molecular consequence: missense variant.
Genome position (GRCh38, 1-based): chr4:113,335,926, G>C. VCF-style: chr4-113335926-G-C. GRCh37 (hg19) VCF-style: chr4-114257082-G-C.
Other names: c.3433G>C, p.Val1145Leu (NM_001127493.3); c.3472G>C, p.Val1158Leu (NM_001354225.2); c.3361G>C, p.Val1121Leu (NM_001354228.2, NM_001354258.2); c.3439G>C, p.Val1147Leu (NM_001354230.2); c.3502G>C, p.Val1168Leu (NM_001354231.2, NM_001354242.2); c.3496G>C, p.Val1166Leu (NM_001354232.2); c.3457G>C, p.Val1153Leu (NM_001354235.2, NM_001354246.2, NM_001354265.2); c.3358G>C, p.Val1120Leu (NM_001354236.2); and 30 more; short protein forms V1067L, V1079L, V1092L, V1147L, V1158L, V1168L, V1169L, V1173L.
Identifiers: ClinVar variation 2024841 (VCV002024841.4), dbSNP rs1563854784, ClinGen allele CA357937539.

ClinVar aggregate classification (germline): Uncertain significance (1 of 4 stars; one submission).

Conditions:
Long QT syndrome (LQTS). Identifiers: MedGen C0023976, MeSH D008133, MONDO:0002442. Disease mechanism: loss of function. Inheritance: Various modes of inheritance.

Submission:

Labcorp Genetics (formerly Invitae), Labcorp
Classification: Uncertain significance for Long QT syndrome. Last evaluated: 2021-12-02. Review status: criteria provided, single submitter. Criteria: Invitae Variant Classification Sherloc (09022015). Collection method: clinical testing. Allele origin: germline.
Comment: This sequence change replaces valine, which is neutral and non-polar, with leucine, which is neutral and non-polar, at codon 1154 of the ANK2 protein (p.Val1154Leu). This variant is not present in population databases (gnomAD no frequency). This variant has not been reported in the literature in individuals affected with ANK2-related conditions. Algorithms developed to predict the effect of missense changes on protein structure and function are either unavailable or do not agree on the potential impact of this missense change (SIFT: "Tolerated"; PolyPhen-2: "Probably Damaging"; Align-GVGD: "Class C0"). In summary, the available evidence is currently insufficient to determine the role of this variant in disease. Therefore, it has been classified as a Variant of Uncertain Significance.